The following is an entry in ClinVar:

ClinVar aggregate classification (germline): Uncertain significance (1 of 4 stars; one submission).

Submission:

Ambry Genetics
Classification: Uncertain significance. Last evaluated: 2026-03-23. Review status: criteria provided, single submitter. Criteria: Ambry Variant Classification Scheme 2023. Collection method: clinical testing. Allele origin: germline.
Comment: The p.S1226I variant (also known as c.3677G>T), located in coding exon 13 of the CDK12 gene, results from a G to T substitution at nucleotide position 3677. The serine at codon 1226 is replaced by isoleucine, an amino acid with dissimilar properties. This amino acid position is conserved. In addition, this alteration is predicted to be tolerated by in silico analysis. Based on the available evidence, the clinical significance of this variant remains unclear.

NM_016507.4(CDK12):c.3677G>T (p.Ser1226Ile)

Gene: CDK12 (cyclin dependent kinase 12; plus strand). Cytogenetic location: 17q12.
Variant type: single nucleotide variant.
Coding change: c.3677G>T on transcript NM_016507.4 (MANE Select); coding-DNA position 3677, G replaced by T.
Protein change: p.Ser1226Ile; replaces serine 1226 with isoleucine.
Molecular consequence: missense variant.
Genome position (GRCh38, 1-based): chr17:39,526,233, G>T. VCF-style: chr17-39526233-G-T. GRCh37 (hg19) VCF-style: chr17-37682486-G-T.
Other names: c.3677G>T, p.Ser1226Ile (NM_015083.4); short protein forms S1226I.
Identifiers: ClinVar variation 4868454 (VCV004868454.1).
Genomic context (GRCh38, chr17:39,526,233, plus strand): 5'-TGCAGAATATATTGGCAGTTCTCTTGAGTCAGCTGATGAAAACCCAAGAGCCAGCAGGCA[G>T]TCTGGAGGAAAACAACAGTGACAAGAACAGTGGGCCACAGGGGCCCCGAAGAACTCCCAC-3'
Protein context (NP_057591.2, residues 1216-1236): QLMKTQEPAG[Ser1226Ile]LEENNSDKNS